The following is an entry in ClinVar:

ClinVar aggregate classification (germline): Likely benign. Review status: criteria provided, multiple submitters, no conflicts (2 of 4 stars). 2 submissions from 2 submitters: Likely benign (2). Last evaluated 2025-03-04.

Allele frequency attached by ClinVar (database versions not stated): gnomAD exomes 0.00002; TOPMed 0.00003; gnomAD 0.00004 and 0.00003.

Submissions (2):

Center for Genomic Medicine, Rigshospitalet, Copenhagen University Hospital
Classification: Likely benign. Last evaluated: 2025-03-04. Review status: criteria provided, single submitter. Criteria: ACMG Guidelines, 2015. Collection method: clinical testing. Allele origin: germline.

GeneDx
Classification: Likely benign. Last evaluated: 2017-11-01. Review status: criteria provided, single submitter. Criteria: GeneDx Variant Classification (06012015). Collection method: clinical testing. Allele origin: germline. Affected: yes.
Comment: This variant is considered likely benign or benign based on one or more of the following criteria: it is a conservative change, it occurs at a poorly conserved position in the protein, it is predicted to be benign by multiple in silico algorithms, and/or has population frequency not consistent with disease.

NM_007194.4(CHEK2):c.-10dup

Gene: CHEK2 (checkpoint kinase 2; minus strand). Cytogenetic location: 22q12.1.
Variant type: Duplication.
Coding change: c.-10dup on transcript NM_007194.4 (MANE Select); 10 bases upstream of the start codon, one base duplicated (C; older notation c.-10dupC).
Molecular consequence: 5 prime UTR variant.
Genome position (GRCh38, 1-based): chr22:28,741,772, G duplicated on the plus strand (C on the coding strand, the reverse complement: CHEK2 is on the minus strand). VCF-style (leftmost placement, unchanged base first): chr22-28741771-C-CG. GRCh37 (hg19) VCF-style: chr22-29137759-C-CG.
Other names: c.-10dup (NM_001005735.3, NM_001349956.3, NM_145862.3); c.-787dup (NM_001257387.3); c.-10dupC (NM_007194.4).
Identifiers: ClinVar variation 267515 (VCV000267515.3), dbSNP rs886037743, ClinGen allele CA10602508.